The following is an entry in ClinVar:

ClinVar aggregate classification (germline): Uncertain significance (1 of 4 stars; one submission).

gnomAD v4.1: 13 of 1,601,060 alleles (0.00081%); highest among the groups gnomAD compares: South Asian, 0.0088%; no homozygotes.

Submission:

Labcorp Genetics (formerly Invitae), Labcorp
Classification: Uncertain significance. Last evaluated: 2023-10-09. Review status: criteria provided, single submitter. Criteria: Invitae Variant Classification Sherloc (09022015). Collection method: clinical testing. Allele origin: germline.
Comment: This sequence change replaces aspartic acid, which is acidic and polar, with tyrosine, which is neutral and polar, at codon 18 of the GHSR protein (p.Asp18Tyr). This variant is present in population databases (rs746106545, gnomAD 0.01%). This variant has not been reported in the literature in individuals affected with GHSR-related conditions. Algorithms developed to predict the effect of missense changes on protein structure and function output the following: SIFT: "Not Available"; PolyPhen-2: "Benign"; Align-GVGD: "Not Available". The tyrosine amino acid residue is found in multiple mammalian species, which suggests that this missense change does not adversely affect protein function. In summary, the available evidence is currently insufficient to determine the role of this variant in disease. Therefore, it has been classified as a Variant of Uncertain Significance.

NM_198407.2(GHSR):c.52G>T (p.Asp18Tyr)

Gene: GHSR (growth hormone secretagogue receptor; minus strand). Cytogenetic location: 3q26.31.
Variant type: single nucleotide variant.
Coding change: c.52G>T on transcript NM_198407.2 (MANE Select); coding-DNA position 52, G replaced by T.
Protein change: p.Asp18Tyr; replaces aspartic acid 18 with tyrosine.
Molecular consequence: missense variant.
Genome position (GRCh38, 1-based): chr3:172,448,362, C>A on the plus strand (G>T on the coding strand, the complement: GHSR is on the minus strand). VCF-style: chr3-172448362-C-A. GRCh37 (hg19) VCF-style: chr3-172166152-C-A.
Other names: c.52G>T, p.Asp18Tyr (NM_004122.2); short protein forms D18Y.
Identifiers: ClinVar variation 2886485 (VCV002886485.3), dbSNP rs746106545, ClinGen allele CA2706547.